The following is an entry in ClinVar:

ClinVar aggregate classification (germline): Uncertain significance (1 of 4 stars; one submission).

Conditions:
Epileptic encephalopathy. Identifiers: MedGen C0543888, HP:0200134.

Allele frequency attached by ClinVar (database versions not stated): gnomAD exomes below 0.00001.
gnomAD v4.1: 2 of 1,611,352 alleles (0.00012%); highest among the groups gnomAD compares: Admixed American, 0.0017%; no homozygotes.

Submission:

Labcorp Genetics (formerly Invitae), Labcorp
Classification: Uncertain significance for Epileptic encephalopathy. Last evaluated: 2023-05-28. Review status: criteria provided, single submitter. Criteria: Invitae Variant Classification Sherloc (09022015). Collection method: clinical testing. Allele origin: germline.
Comment: This sequence change affects codon 1014 of the FASN mRNA. It is a 'silent' change, meaning that it does not change the encoded amino acid sequence of the FASN protein. It affects a nucleotide within the consensus splice site. The frequency data for this variant in the population databases is considered unreliable, as metrics indicate poor data quality at this position in the gnomAD database. This variant has not been reported in the literature in individuals affected with FASN-related conditions. ClinVar contains an entry for this variant (Variation ID: 1395188). Algorithms developed to predict the effect of sequence changes on RNA splicing suggest that this variant is not likely to affect RNA splicing. In summary, the available evidence is currently insufficient to determine the role of this variant in disease. Therefore, it has been classified as a Variant of Uncertain Significance.

NM_004104.5(FASN):c.3042A>G (p.Glu1014=)

Gene: FASN (fatty acid synthase; minus strand). Cytogenetic location: 17q25.3.
Variant type: single nucleotide variant.
Coding change: c.3042A>G on transcript NM_004104.5 (MANE Select); coding-DNA position 3042, A replaced by G.
Protein change: p.Glu1014=; no amino-acid change (glutamic acid 1014 retained).
Molecular consequence: synonymous variant.
Genome position (GRCh38, 1-based): chr17:82,087,686, T>C on the plus strand (A>G on the coding strand, the complement: FASN is on the minus strand). VCF-style: chr17-82087686-T-C. GRCh37 (hg19) VCF-style: chr17-80045562-T-C.
Identifiers: ClinVar variation 1395188 (VCV001395188.6), dbSNP rs1209861481, ClinGen allele CA502432476.
Genomic context (GRCh38, chr17:82,087,686, plus strand): 5'-TCCCCACAATGACGACCGCCCTCCCCGGTGGCTTGGGCAGCAGTGTAGTCAGTACCCACC[T>C]TCCAGGCTGGCCTCCAGGATGCCCTGGAAATGAGGGCCGTAGTCGTAGCCACGCAGACGC-3'
Protein context (NP_004095.4, residues 1004-1024): HFQGILEASL[Glu1014=]GDSGRLLWKD